The following is an entry in ClinVar:

NM_000038.6(APC):c.4439A>G (p.Gln1480Arg)

Gene: APC (APC regulator of Wnt signaling pathway; plus strand). Cytogenetic location: 5q22.2.
Variant type: single nucleotide variant.
Coding change: c.4439A>G on transcript NM_000038.6 (MANE Select); coding-DNA position 4439, A replaced by G.
Protein change: p.Gln1480Arg; replaces glutamine 1480 with arginine.
Molecular consequence: missense variant. On other transcripts: non-coding transcript variant (2).
Genome position (GRCh38, 1-based): chr5:112,840,033, A>G. VCF-style: chr5-112840033-A-G. GRCh37 (hg19) VCF-style: chr5-112175730-A-G.
Other names: c.4439A>G, p.Gln1480Arg (NM_001127510.3, NM_001354895.2, NM_001407450.1); c.4385A>G, p.Gln1462Arg (NM_001127511.3); c.4493A>G, p.Gln1498Arg (NM_001354896.2, NM_001407447.1, NM_001407448.1 and 1 more transcripts); c.4469A>G, p.Gln1490Arg (NM_001354897.2); c.4364A>G, p.Gln1455Arg (NM_001354898.2); c.4355A>G, p.Gln1452Arg (NM_001354899.2); c.4316A>G, p.Gln1439Arg (NM_001354900.2); c.4262A>G, p.Gln1421Arg (NM_001354901.2, NM_001407453.1); and 11 more; short protein forms Q1320R, Q1351R, Q1397R, Q1455R, Q1462R, Q1490R, Q1508R, Q1096R.
Identifiers: ClinVar variation 4579044 (VCV004579044.1).

ClinVar aggregate classification (germline): Uncertain significance (1 of 4 stars; one submission).

Conditions:
Hereditary cancer-predisposing syndrome. Also called: Neoplastic Syndromes, Hereditary; Tumor predisposition; Hereditary Cancer Syndrome; Hereditary neoplastic syndrome. Identifiers: Orphanet 140162, MedGen C0027672, MeSH D009386, MONDO:0015356.

Submission:

Ambry Genetics
Classification: Uncertain significance for Hereditary cancer-predisposing syndrome. Last evaluated: 2025-09-26. Review status: criteria provided, single submitter. Criteria: Ambry Variant Classification Scheme 2023. Collection method: clinical testing. Allele origin: germline.
Comment: The p.Q1480R variant (also known as c.4439A>G), located in coding exon 15 of the APC gene, results from an A to G substitution at nucleotide position 4439. The glutamine at codon 1480 is replaced by arginine, an amino acid with highly similar properties. This amino acid position is conserved. In addition, in silico predictors for this gene do not accurately predict pathogenicity. Based on the available evidence, the clinical significance of this variant remains unclear.